The following is an entry in ClinVar:

NM_001025616.3(ARHGAP24):c.896C>T (p.Pro299Leu)

Gene: ARHGAP24 (Rho GTPase activating protein 24; plus strand). Cytogenetic location: 4q21.23.
Variant type: single nucleotide variant.
Coding change: c.896C>T on transcript NM_001025616.3 (MANE Select); coding-DNA position 896, C replaced by T.
Protein change: p.Pro299Leu; replaces proline 299 with leucine.
Molecular consequence: missense variant.
Genome position (GRCh38, 1-based): chr4:85,977,659, C>T. VCF-style: chr4-85977659-C-T. GRCh37 (hg19) VCF-style: chr4-86898812-C-T.
Other names: c.611C>T, p.Pro204Leu (NM_001042669.2); c.641C>T, p.Pro214Leu (NM_001287805.2); c.317C>T, p.Pro106Leu (NM_001346093.2); c.617C>T, p.Pro206Leu (NM_031305.3); short protein forms P204L, P299L, P106L, P206L, P214L.
Identifiers: ClinVar variation 2992359 (VCV002992359.3), dbSNP rs748121878, ClinGen allele CA2994627.

ClinVar aggregate classification (germline): Uncertain significance (1 of 4 stars; one submission).

Allele frequency attached by ClinVar (database versions not stated): gnomAD exomes below 0.00001; TOPMed below 0.00001; ExAC 0.00001.
gnomAD v4.1: 1 of 1,613,794 alleles (0.000062%); highest among the groups gnomAD compares: Non-Finnish European, 0.000085%; no homozygotes.

Submission:

Labcorp Genetics (formerly Invitae), Labcorp
Classification: Uncertain significance. Last evaluated: 2022-10-27. Review status: criteria provided, single submitter. Criteria: Invitae Variant Classification Sherloc (09022015). Collection method: clinical testing. Allele origin: germline.
Comment: In summary, the available evidence is currently insufficient to determine the role of this variant in disease. Therefore, it has been classified as a Variant of Uncertain Significance. Algorithms developed to predict the effect of missense changes on protein structure and function are either unavailable or do not agree on the potential impact of this missense change (SIFT: "Deleterious"; PolyPhen-2: "Possibly Damaging"; Align-GVGD: "Class C0"). This variant has not been reported in the literature in individuals affected with ARHGAP24-related conditions. This variant is present in population databases (rs748121878, gnomAD 0.007%). This sequence change replaces proline, which is neutral and non-polar, with leucine, which is neutral and non-polar, at codon 299 of the ARHGAP24 protein (p.Pro299Leu).